The following is an entry in ClinVar:

NM_001384140.1(PCDH15):c.682T>C (p.Tyr228His)

Gene: PCDH15 (protocadherin related 15; minus strand). Cytogenetic location: 10q21.1.
Variant type: single nucleotide variant.
Coding change: c.682T>C on transcript NM_001384140.1 (MANE Select); coding-DNA position 682, T replaced by C.
Protein change: p.Tyr228His; replaces tyrosine 228 with histidine.
Molecular consequence: missense variant. On other transcripts: intron variant (1).
Genome position (GRCh38, 1-based): chr10:54,329,619, A>G on the plus strand (T>C on the coding strand, the complement: PCDH15 is on the minus strand). VCF-style: chr10-54329619-A-G. GRCh37 (hg19) VCF-style: chr10-56089379-A-G.
Other names: c.697T>C, p.Tyr233His (NM_001142763.2, NM_001142769.4, NM_001142771.2); c.682T>C, p.Tyr228His (NM_001142764.2, NM_001142765.2, NM_001142766.2 and 7 more transcripts); c.616T>C, p.Tyr206His (NM_001142768.2, NM_001142773.2, NM_001354404.2); c.595-12178T>C (NM_001142767.2); short protein forms Y206H, Y228H, Y233H.
Identifiers: ClinVar variation 2274048 (VCV002274048.3), dbSNP rs1389167013, ClinGen allele CA376541171.

ClinVar aggregate classification (germline): Uncertain significance. Review status: criteria provided, multiple submitters, no conflicts (2 of 4 stars). 2 submissions from 2 submitters: Uncertain significance (2). Last evaluated 2024-12-19.

Conditions:
Inborn genetic diseases. Identifiers: MedGen C0950123, MeSH D030342.

Allele frequency attached by ClinVar (database versions not stated): TOPMed below 0.00001; gnomAD 0.00001.
gnomAD v4.1: 1 of 1,600,414 alleles (0.000062%); highest among the groups gnomAD compares: East Asian, 0.0022%; no homozygotes.

Submissions (2):

GeneDx
Classification: Uncertain significance. Last evaluated: 2024-12-19. Review status: criteria provided, single submitter. Criteria: GeneDx Variant Classification Process June 2021. Collection method: clinical testing. Allele origin: germline. Affected: yes.
Comment: Not observed at significant frequency in large population cohorts (gnomAD); In silico analysis supports that this missense variant has a deleterious effect on protein structure/function; Has not been previously published as pathogenic or benign to our knowledge

Ambry Genetics
Classification: Uncertain significance for Inborn genetic diseases. Last evaluated: 2022-01-27. Review status: criteria provided, single submitter. Criteria: Ambry Variant Classification Scheme 2023. Collection method: clinical testing. Allele origin: germline.